The following is an entry in ClinVar:

ClinVar aggregate classification (germline): Uncertain significance (1 of 4 stars; one submission).

Conditions:
Hereditary cancer-predisposing syndrome. Also called: Neoplastic Syndromes, Hereditary; Tumor predisposition; Hereditary Cancer Syndrome; Hereditary neoplastic syndrome. Identifiers: Orphanet 140162, MedGen C0027672, MeSH D009386, MONDO:0015356.

Submission:

Ambry Genetics
Classification: Uncertain significance for Hereditary cancer-predisposing syndrome. Last evaluated: 2026-04-08. Review status: criteria provided, single submitter. Criteria: Ambry Variant Classification Scheme 2023. Collection method: clinical testing. Allele origin: germline.
Comment: The p.T2828S variant (also known as c.8483C>G), located in coding exon 15 of the APC gene, results from a C to G substitution at nucleotide position 8483. The threonine at codon 2828 is replaced by serine, an amino acid with similar properties. This amino acid position is conserved. In addition, in silico predictors for this gene do not accurately predict pathogenicity. Based on the available evidence, the clinical significance of this variant remains unclear.

NM_000038.6(APC):c.8483C>G (p.Thr2828Ser)

Gene: APC (APC regulator of Wnt signaling pathway; plus strand). Cytogenetic location: 5q22.2.
Variant type: single nucleotide variant.
Coding change: c.8483C>G on transcript NM_000038.6 (MANE Select); coding-DNA position 8483, C replaced by G.
Protein change: p.Thr2828Ser; replaces threonine 2828 with serine.
Molecular consequence: missense variant. On other transcripts: non-coding transcript variant (2).
Genome position (GRCh38, 1-based): chr5:112,844,077, C>G. VCF-style: chr5-112844077-C-G. GRCh37 (hg19) VCF-style: chr5-112179774-C-G.
Other names: c.8180C>G, p.Thr2727Ser (NM_001407460.1, NM_001354903.2, NM_001407458.1 and 1 more transcripts); c.8096C>G, p.Thr2699Ser (NM_001407467.1, NM_001407469.1); c.7634C>G, p.Thr2545Ser (NM_001407470.1, NM_001354906.2); c.7331C>G, p.Thr2444Ser (NM_001407471.1, NM_001407472.1); c.8483C>G, p.Thr2828Ser (NM_001127510.3, NM_001354895.2, NM_001407450.1); c.8429C>G, p.Thr2810Ser (NM_001127511.3); c.8537C>G, p.Thr2846Ser (NM_001354896.2, NM_001407447.1, NM_001407448.1 and 1 more transcripts); c.8513C>G, p.Thr2838Ser (NM_001354897.2); and 11 more; short protein forms T2444S, T2545S, T2668S, T2699S, T2702S, T2727S, T2737S, T2745S.
Identifiers: ClinVar variation 4860659 (VCV004860659.1).